The following is an entry in ClinVar:

ClinVar aggregate classification (germline): Uncertain significance. Review status: criteria provided, multiple submitters, no conflicts (2 of 4 stars). 2 submissions from 2 submitters: Uncertain significance (2). Last evaluated 2026-01-13.

Conditions:
Metachromatic leukodystrophy (MLD). Also called: ARSA DEFICIENCY; CEREBROSIDE SULFATASE DEFICIENCY; Arylsulfatase A Deficiency; METACHROMATIC LEUKOENCEPHALOPATHY; SULFATIDE LIPIDOSIS; Cerebral sclerosis diffuse metachromatic form. Identifiers: Orphanet 512, MedGen C0023522, MONDO:0018868, OMIM 250100.

Submissions (2):

Myriad Genetics, Inc.
Classification: Uncertain significance for Metachromatic leukodystrophy. Last evaluated: 2026-01-13. Review status: criteria provided, single submitter. Criteria: Myriad Autosomal Dominant, Autosomal Recessive and X-Linked Classification Criteria (2023). Collection method: clinical testing. Allele origin: unknown.
Comment: NM_000487.5(ARSA):c.1408_1419del12(A470_T473del) is a missense variant classified as a variant of uncertain significance in the context of metachromatic leukodystrophy. A470_T473del has not been observed in cases with relevant disease. Relevant functional assessments of this variant are not available in the literature. A470_T473del has not been observed in referenced population frequency databases. In summary, there is insufficient evidence to classify NM_000487.5(ARSA):c.1408_1419del12(A470_T473del) as pathogenic or benign. Please note: this variant was assessed in the context of healthy population screening.

Labcorp Genetics (formerly Invitae), Labcorp
Classification: Uncertain significance for Metachromatic leukodystrophy. Last evaluated: 2021-11-10. Review status: criteria provided, single submitter. Criteria: Invitae Variant Classification Sherloc (09022015). Collection method: clinical testing. Allele origin: germline.
Comment: In summary, the available evidence is currently insufficient to determine the role of this variant in disease. Therefore, it has been classified as a Variant of Uncertain Significance. Experimental studies and prediction algorithms are not available or were not evaluated, and the functional significance of this variant is currently unknown. ClinVar contains an entry for this variant (Variation ID: 948630). This variant has not been reported in the literature in individuals affected with ARSA-related conditions. This variant is not present in population databases (gnomAD no frequency). This variant, c.1408_1419del, results in the deletion of 4 amino acid(s) of the ARSA protein (p.Ala470_Thr473del), but otherwise preserves the integrity of the reading frame.

NM_000487.6(ARSA):c.1408_1419del (p.Ala470_Thr473del)

Gene: ARSA (arylsulfatase A; minus strand). Cytogenetic location: 22q13.33.
Variant type: Deletion.
Coding change: c.1408_1419del on transcript NM_000487.6 (MANE Select); coding-DNA positions 1408 to 1419, 12 bases deleted (GCAGCTGTGACC).
Protein change: p.Ala470_Thr473del.
Molecular consequence: inframe deletion.
Genome position (GRCh38, 1-based): chr22:50,625,256-50,625,267, GGTCACAGCTGC deleted on the plus strand (GCAGCTGTGACC on the coding strand, the reverse complement: ARSA is on the minus strand); deleting any 12 consecutive bases within chr22:50,625,256-50,625,268 gives the same sequence; the c. name uses the placement nearest the transcript's 3' end. VCF-style (leftmost placement, unchanged base first): chr22-50625255-AGGTCACAGCTGC-A. GRCh37 (hg19) VCF-style: chr22-51063683-AGGTCACAGCTGC-A.
Other names: c.1408_1419del, p.Ala470_Thr473del (NM_001085425.3, NM_001085426.3, NM_001085427.3); c.1150_1161del, p.Ala384_Thr387del (NM_001085428.3, NM_001362782.2).
Identifiers: ClinVar variation 948630 (VCV000948630.7), dbSNP rs2082643081, ClinGen allele CA1139667190.